The following is an entry in ClinVar:

ClinVar aggregate classification (germline): Uncertain significance. Review status: criteria provided, multiple submitters, no conflicts (2 of 4 stars). 2 submissions from 2 submitters: Uncertain significance (2). Last evaluated 2024-06-13.

Conditions:
Inborn genetic diseases. Identifiers: MedGen C0950123, MeSH D030342.
Left ventricular noncompaction 8 (LVNC8). Identifiers: Orphanet 154, Orphanet 54260, MedGen C3809288, MONDO:0014152, OMIM 615373.

Allele frequency attached by ClinVar (database versions not stated): gnomAD exomes 0.00001; ExAC 0.00001; gnomAD 0.00001; TOPMed 0.00002.
gnomAD v4.1: 14 of 1,613,588 alleles (0.00087%); highest among the groups gnomAD compares: African/African-American, 0.008%; 1 homozygote.

Submissions (2):

Ambry Genetics
Classification: Uncertain significance for Inborn genetic diseases. Last evaluated: 2024-06-13. Review status: criteria provided, single submitter. Criteria: Ambry Variant Classification Scheme 2023. Collection method: clinical testing. Allele origin: germline.

Labcorp Genetics (formerly Invitae), Labcorp
Classification: Uncertain significance for Left ventricular noncompaction 8. Last evaluated: 2022-03-03. Review status: criteria provided, single submitter. Criteria: Invitae Variant Classification Sherloc (09022015). Collection method: clinical testing. Allele origin: germline.
Comment: In summary, the available evidence is currently insufficient to determine the role of this variant in disease. Therefore, it has been classified as a Variant of Uncertain Significance. Algorithms developed to predict the effect of missense changes on protein structure and function (SIFT, PolyPhen-2, Align-GVGD) all suggest that this variant is likely to be disruptive. ClinVar contains an entry for this variant (Variation ID: 541378). This variant has not been reported in the literature in individuals affected with PRDM16-related conditions. This variant is present in population databases (rs371292826, gnomAD 0.01%). This sequence change replaces arginine, which is basic and polar, with glycine, which is neutral and non-polar, at codon 594 of the PRDM16 protein (p.Arg594Gly).

NM_022114.4(PRDM16):c.1780A>G (p.Arg594Gly)

Gene: PRDM16 (PR/SET domain 16; plus strand). Cytogenetic location: 1p36.32.
Variant type: single nucleotide variant.
Coding change: c.1780A>G on transcript NM_022114.4 (MANE Select); coding-DNA position 1780, A replaced by G.
Protein change: p.Arg594Gly; replaces arginine 594 with glycine.
Molecular consequence: missense variant.
Genome position (GRCh38, 1-based): chr1:3,411,977, A>G. VCF-style: chr1-3411977-A-G. GRCh37 (hg19) VCF-style: chr1-3328541-A-G.
Other names: c.1780A>G, p.Arg594Gly (NM_199454.3); short protein forms R594G.
Identifiers: ClinVar variation 541378 (VCV000541378.9), dbSNP rs371292826, ClinGen allele CA544280.